The following is an entry in ClinVar:

NM_015631.6(TCTN3):c.1580A>G (p.Gln527Arg)

Gene: TCTN3 (tectonic family member 3; minus strand). Cytogenetic location: 10q24.1.
Variant type: single nucleotide variant.
Coding change: c.1580A>G on transcript NM_015631.6 (MANE Select); coding-DNA position 1580, A replaced by G.
Protein change: p.Gln527Arg; replaces glutamine 527 with arginine.
Molecular consequence: missense variant.
Genome position (GRCh38, 1-based): chr10:95,680,482, T>C on the plus strand (A>G on the coding strand, the complement: TCTN3 is on the minus strand). VCF-style: chr10-95680482-T-C. GRCh37 (hg19) VCF-style: chr10-97440239-T-C.
Other names: c.1580A>G (NM_015631.5); c.1634A>G, p.Gln545Arg (NM_001013840.1); c.1136A>G, p.Gln379Arg (NM_001143973.2); c.1484A>G, p.Gln495Arg (NM_001410982.1); short protein forms Q495R, Q379R, Q527R, Q545R.
Identifiers: ClinVar variation 2186977 (VCV002186977.6), dbSNP rs1474769675, ClinGen allele CA377701631.

ClinVar aggregate classification (germline): Uncertain significance. Review status: criteria provided, multiple submitters, no conflicts (2 of 4 stars). 2 submissions from 2 submitters: Uncertain significance (2). Last evaluated 2023-05-23.

Conditions:
Inborn genetic diseases. Identifiers: MedGen C0950123, MeSH D030342.
Joubert syndrome 18 (JBTS18). Identifiers: Orphanet 2754, MedGen C3553758, MONDO:0013896, OMIM 614815.
Orofacial-digital syndrome IV (OFD4). Also called: BARAITSER-BURN SYNDROME; OFD SYNDROME WITH TIBIAL DEFECTS; OFD SYNDROME, BARAITSER-BURN TYPE; OFDS IV; ORAL-FACIAL-DIGITAL SYNDROME, TYPE IV; Orofaciodigital syndrome IV. Identifiers: Orphanet 2753, MedGen C0406727, MONDO:0009794, OMIM 258860.

Allele frequency attached by ClinVar (database versions not stated): TOPMed 0.00001.

Submissions (2):

Ambry Genetics
Classification: Uncertain significance for Inborn genetic diseases. Last evaluated: 2023-05-23. Review status: criteria provided, single submitter. Criteria: Ambry Variant Classification Scheme 2023. Collection method: clinical testing. Allele origin: germline.

Labcorp Genetics (formerly Invitae), Labcorp
Classification: Uncertain significance for Joubert syndrome 18; Orofacial-digital syndrome IV. Last evaluated: 2022-04-25. Review status: criteria provided, single submitter. Criteria: Invitae Variant Classification Sherloc (09022015). Collection method: clinical testing. Allele origin: germline.
Comment: This sequence change replaces glutamine, which is neutral and polar, with arginine, which is basic and polar, at codon 527 of the TCTN3 protein (p.Gln527Arg). This variant is not present in population databases (gnomAD no frequency). This variant has not been reported in the literature in individuals affected with TCTN3-related conditions. Algorithms developed to predict the effect of missense changes on protein structure and function output the following: SIFT: "Tolerated"; PolyPhen-2: "Benign"; Align-GVGD: "Class C0". The arginine amino acid residue is found in multiple mammalian species, which suggests that this missense change does not adversely affect protein function. In summary, the available evidence is currently insufficient to determine the role of this variant in disease. Therefore, it has been classified as a Variant of Uncertain Significance.